The following is an entry in ClinVar:

ClinVar aggregate classification (germline): Likely pathogenic (1 of 4 stars; one submission).

Conditions:
Ellis-van Creveld syndrome (EVC). Also called: Chondroectodermal dysplasia; EVC-Related Ellis-van Creveld Syndrome; EVC2-Related Ellis-van Creveld Syndrome; MESOECTODERMAL DYSPLASIA. Identifiers: Orphanet 289, MedGen C0013903, MONDO:0009162, OMIM 225500.

gnomAD v4.1: 1 of 1,613,874 alleles (0.000062%); highest among the groups gnomAD compares: Non-Finnish European, 0.000085%; no homozygotes.

Submission:

Natera, Inc.
Classification: Likely pathogenic for Ellis-van Creveld syndrome. Last evaluated: 2024-05-02. Review status: criteria provided, single submitter. Criteria: Natera Variant Classification Schema (03/2026). Collection method: clinical testing. Allele origin: germline.
Comment: The c.1732C>T variant in EVC is a nonsense variant predicted to introduce a stop codon at amino acid 578. This variant is expected to result in nonsense mediated decay, truncation, or a dysfunctional protein product. This variant is rare in the general population with a frequency below the threshold expected for the associated phenotype(s). Given the available evidence, this variant is classified as Likely Pathogenic.

NM_153717.3(EVC):c.1732C>T (p.Gln578Ter)

Gene: EVC (EvC ciliary complex subunit 1; plus strand). Cytogenetic location: 4p16.2.
Variant type: single nucleotide variant.
Coding change: c.1732C>T on transcript NM_153717.3 (MANE Select); coding-DNA position 1732, C replaced by T.
Protein change: p.Gln578Ter; replaces glutamine 578 with a stop codon.
Molecular consequence: nonsense.
Genome position (GRCh38, 1-based): chr4:5,783,720, C>T. VCF-style: chr4-5783720-C-T. GRCh37 (hg19) VCF-style: chr4-5785447-C-T.
Other names: c.1732C>T, p.Gln578Ter (NM_001306090.2); short protein forms Q578*.
Identifiers: ClinVar variation 4816925 (VCV004816925.1).